The following is an entry in ClinVar:

ClinVar aggregate classification (germline): Likely pathogenic (1 of 4 stars; one submission).

Conditions:
Autosomal recessive limb-girdle muscular dystrophy type 2J (LGMDR10). Also called: Limb-girdle muscular dystrophy, type 2J; MUSCULAR DYSTROPHY, LIMB-GIRDLE, AUTOSOMAL RECESSIVE 10. Identifiers: Orphanet 140922, MedGen C1837342, MONDO:0012127, OMIM 608807.
Dilated cardiomyopathy 1G (CMD1G). Identifiers: Orphanet 154, MedGen C1858763, MONDO:0011400, OMIM 604145.

Submission:

Labcorp Genetics (formerly Invitae), Labcorp
Classification: Likely pathogenic for Dilated cardiomyopathy 1G; Autosomal recessive limb-girdle muscular dystrophy type 2J. Last evaluated: 2025-10-15. Review status: criteria provided, single submitter. Criteria: Invitae Variant Classification Sherloc (09022015). Collection method: clinical testing. Allele origin: germline.
Comment: This sequence change creates a premature translational stop signal (p.Lys31724Serfs*4) in the TTN gene. While this is not anticipated to result in nonsense mediated decay, it is expected to create a truncated TTN protein. This variant is not present in population databases (gnomAD no frequency). This variant has not been reported in the literature in individuals affected with TTN-related conditions. This variant is located in the A band of TTN (PMID: 25589632). Truncating variants in this region are significantly overrepresented in patients affected with dilated cardiomyopathy (PMID: 25589632). Truncating variants in this region have also been reported in individuals affected with autosomal recessive centronuclear myopathy (PMID: 23975875). In summary, the currently available evidence indicates that the variant is pathogenic, but additional data are needed to prove that conclusively. Therefore, this variant has been classified as Likely Pathogenic.

Literature cited by the submitters: PubMed 25589632; PubMed 23975875.

NM_001267550.2(TTN):c.95171del (p.Lys31724fs)

Genes: TTN (titin; minus strand), TTN-AS1 (TTN antisense RNA 1; plus strand). Cytogenetic location: 2q31.2.
Variant type: Deletion.
Coding change: c.95171del on transcript NM_001267550.2 (MANE Select); coding-DNA position 95171, one base deleted (A; older notation c.95171delA).
Protein change: p.Lys31724fs; shifts the reading frame from lysine 31724.
Molecular consequence: frameshift variant.
Genome position (GRCh38, 1-based): chr2:178,546,065, T deleted on the plus strand (A on the coding strand, the reverse complement: TTN is on the minus strand); the first of 2 consecutive T bases (chr2:178,546,065-178,546,066); deleting either gives the same sequence. VCF-style (leftmost placement, unchanged base first): chr2-178546064-CT-C. GRCh37 (hg19) VCF-style: chr2-179410791-CT-C.
Other names: c.90248del, p.Lys30083fs (NM_001256850.1); c.67976del, p.Lys22659fs (NM_003319.4); c.87467del, p.Lys29156fs (NM_133378.4); c.68351del, p.Lys22784fs (NM_133432.3); c.68552del, p.Lys22851fs (NM_133437.4); short protein forms K22659fs, K29156fs, K22784fs, K22851fs, K30083fs, K31724fs.
Identifiers: ClinVar variation 4786438 (VCV004786438.1).
Genomic context (GRCh38, chr2:178,546,064, plus strand): 5'-GATGTAGTGAGTGATTTCTGCTCCTCCGTCTTCCTGCGGAAGGCTCCAGGCTAAAGTGCA[CT>C]TCTCCTGTGTTACTCTGCTGACGGTGAGCTTTCCACATGGGCCAGGGGAATCTGAAACAG-3'